The following is an entry in ClinVar:

NM_006736.6(DNAJB2):c.509C>T (p.Ser170Phe)

Gene: DNAJB2 (DnaJ heat shock protein family (Hsp40) member B2; plus strand). Cytogenetic location: 2q35.
Variant type: single nucleotide variant.
Coding change: c.509C>T on transcript NM_006736.6 (MANE Select); coding-DNA position 509, C replaced by T.
Protein change: p.Ser170Phe; replaces serine 170 with phenylalanine.
Molecular consequence: missense variant.
Genome position (GRCh38, 1-based): chr2:219,283,196, C>T. VCF-style: chr2-219283196-C-T. GRCh37 (hg19) VCF-style: chr2-220147918-C-T.
Other names: c.509C>T (NM_001039550.1); c.509C>T, p.Ser170Phe (NM_001039550.2); short protein forms S170F.
Identifiers: ClinVar variation 1394995 (VCV001394995.9), dbSNP rs1951922399, ClinGen allele CA350650404.

ClinVar aggregate classification (germline): Uncertain significance. Review status: criteria provided, multiple submitters, no conflicts (2 of 4 stars). 2 submissions from 2 submitters: Uncertain significance (2). Last evaluated 2025-08-13.

Conditions:
Inborn genetic diseases. Identifiers: MedGen C0950123, MeSH D030342.
Neuronopathy, distal hereditary motor, autosomal recessive 5. Also called: Spinal muscular atrophy, distal, autosomal recessive, 5; NEUROPATHY, DISTAL HEREDITARY MOTOR, AUTOSOMAL RECESSIVE 5; Young adult-onset distal hereditary motor neuropathy. Identifiers: Orphanet 314485, Orphanet 443950, MedGen C4749918, MONDO:0013947, OMIM 614881.

Allele frequency attached by ClinVar (database versions not stated): TOPMed below 0.00001.

Submissions (2):

Ambry Genetics
Classification: Uncertain significance for Inborn genetic diseases. Last evaluated: 2025-08-13. Review status: criteria provided, single submitter. Criteria: Ambry Variant Classification Scheme 2023. Collection method: clinical testing. Allele origin: germline.

Labcorp Genetics (formerly Invitae), Labcorp
Classification: Uncertain significance for Neuronopathy, distal hereditary motor, autosomal recessive 5. Last evaluated: 2021-07-19. Review status: criteria provided, single submitter. Criteria: Invitae Variant Classification Sherloc (09022015). Collection method: clinical testing. Allele origin: germline.
Comment: In summary, the available evidence is currently insufficient to determine the role of this variant in disease. Therefore, it has been classified as a Variant of Uncertain Significance. Algorithms developed to predict the effect of missense changes on protein structure and function (SIFT, PolyPhen-2, Align-GVGD) all suggest that this variant is likely to be disruptive, but these predictions have not been confirmed by published functional studies and their clinical significance is uncertain. This variant has not been reported in the literature in individuals with DNAJB2-related conditions. This variant is not present in population databases (ExAC no frequency). This sequence change replaces serine with phenylalanine at codon 170 of the DNAJB2 protein (p.Ser170Phe). The serine residue is highly conserved and there is a large physicochemical difference between serine and phenylalanine.